The following is an entry in ClinVar:

ClinVar aggregate classification (germline): Benign (1 of 4 stars; one submission).

Allele frequency attached by ClinVar (database versions not stated): ExAC below 0.00001; gnomAD exomes 0.00001 and 0.00002; gnomAD 0.00018; TOPMed 0.00021; 1000 Genomes Project 30x 0.00047.
gnomAD v4.1: 49 of 1,534,680 alleles (0.0032%); highest among the groups gnomAD compares: African/African-American, 0.066%; no homozygotes.

Submission:

GeneDx
Classification: Benign. Last evaluated: 2013-08-27. Review status: criteria provided, single submitter. Criteria: GeneDx Variant Classification (06012015). Collection method: clinical testing. Allele origin: germline. Affected: yes.
Comment: This variant is considered likely benign or benign based on one or more of the following criteria: it is a conservative change, it occurs at a poorly conserved position in the protein, it is predicted to be benign by multiple in silico algorithms, and/or has population frequency not consistent with disease.

NM_002834.5(PTPN11):c.-45T>G

Gene: PTPN11 (protein tyrosine phosphatase non-receptor type 11; plus strand). Cytogenetic location: 12q24.13.
Variant type: single nucleotide variant.
Coding change: c.-45T>G on transcript NM_002834.5 (MANE Select); 45 bases upstream of the start codon, T replaced by G.
Molecular consequence: 5 prime UTR variant.
Genome position (GRCh38, 1-based): chr12:112,419,067, T>G. VCF-style: chr12-112419067-T-G. GRCh37 (hg19) VCF-style: chr12-112856871-T-G.
Other names: c.-45T>G (NM_001330437.2, NM_001374625.1, NM_080601.3).
Identifiers: ClinVar variation 138841 (VCV000138841.1), dbSNP rs587781131, ClinGen allele CA292972.